The following is an entry in ClinVar:

ClinVar aggregate classification (germline): Conflicting classifications of pathogenicity. Review status: criteria provided, conflicting classifications (1 of 4 stars). 5 submissions from 5 submitters: Uncertain significance (1); Benign (1); Likely benign (2). 1 of the submissions does not count toward it. Last evaluated 2025-10-02.

Conditions:
SLC4A4-related disorder. Also called: SLC4A4-related condition.
Autosomal recessive proximal renal tubular acidosis (PRTAO). Also called: RTA, PROXIMAL, AUTOSOMAL RECESSIVE; RENAL TUBULAR ACIDOSIS, PROXIMAL, WITH OCULAR ABNORMALITIES AND IMPAIRED INTELLECTUAL DEVELOPMENT; PROXIMAL RENAL TUBULAR ACIDOSIS-OCULAR ANOMALY SYNDROME; RENAL TUBULAR ACIDOSIS, PROXIMAL, WITH OCULAR ABNORMALITIES AND MENTAL RETARDATION. Identifiers: Orphanet 93607, MedGen C1970309, MONDO:0011422, OMIM 604278.

Allele frequency attached by ClinVar (database versions not stated): gnomAD exomes 0.00046 and 0.00074; ExAC 0.00056; 1000 Genomes Project 30x 0.00062; 1000 Genomes Project 0.00080; gnomAD 0.00094 and 0.00097; ESP Exome Variant Server 0.00100; TOPMed 0.00106.
gnomAD v4.1: 845 of 1,602,752 alleles (0.053%); highest among the groups gnomAD compares: Middle Eastern, 0.8%; 2 homozygotes.

Submissions (6):

Labcorp Genetics (formerly Invitae), Labcorp
Classification: Benign. Last evaluated: 2025-10-02. Review status: criteria provided, single submitter. Criteria: Invitae Variant Classification Sherloc (09022015). Collection method: clinical testing. Allele origin: germline.

Blueprint Genetics
Classification: Likely benign. Last evaluated: 2024-11-21. Review status: criteria provided, single submitter. Criteria: ACMG Guidelines, 2015. Collection method: clinical testing. Allele origin: germline.

CeGaT Center for Human Genetics Tuebingen
Classification: Likely benign. Last evaluated: 2022-07-01. Review status: criteria provided, single submitter. Criteria: CeGaT Center For Human Genetics Tuebingen Variant Classification Criteria Version 2. Collection method: clinical testing. Allele origin: germline. Affected: yes. Observed: 1 variant allele.
Comment: SLC4A4: BP4

Illumina Laboratory Services, Illumina
Classification: Uncertain significance for Autosomal recessive proximal renal tubular acidosis. Last evaluated: 2018-01-13. Review status: criteria provided, single submitter. Criteria: ICSL Variant Classification Criteria 13 December 2019. Collection method: clinical testing. Allele origin: germline.

PreventionGenetics, part of Exact Sciences
Classification: Likely benign for SLC4A4-related condition. Last evaluated: 2023-06-20. Review status: no assertion criteria provided. Collection method: clinical testing. Allele origin: germline. Not counted in ClinVar's aggregate classification.
Comment: This variant is classified as likely benign based on ACMG/AMP sequence variant interpretation guidelines (Richards et al. 2015 PMID: 25741868, with internal and published modifications).

Dr. Peter K. Rogan Lab, Western University
No classification provided (evidence only). Condition: Thyroid cancer, nonmedullary, 1. Review status: no classification provided. Collection method: in vitro. Allele origin: not applicable. Functional consequence: skipped exon, retained intron. Not counted in ClinVar's aggregate classification.

NM_001098484.3(SLC4A4):c.1942G>A (p.Glu648Lys)

Gene: SLC4A4 (solute carrier family 4 member 4; plus strand). Cytogenetic location: 4q13.3.
Variant type: single nucleotide variant.
Coding change: c.1942G>A on transcript NM_001098484.3 (MANE Select); coding-DNA position 1942, G replaced by A.
Protein change: p.Glu648Lys; replaces glutamic acid 648 with lysine.
Molecular consequence: missense variant.
Genome position (GRCh38, 1-based): chr4:71,486,986, G>A. VCF-style: chr4-71486986-G-A. GRCh37 (hg19) VCF-style: chr4-72352703-G-A.
Other names: c.1942G>A, p.Glu648Lys (NM_001134742.2); c.1810G>A, p.Glu604Lys (NM_003759.4); short protein forms E604K, E648K.
Identifiers: ClinVar variation 349547 (VCV000349547.40), dbSNP rs145378038, ClinGen allele CA2954957.